The following is an entry in ClinVar:

ClinVar aggregate classification (germline): Uncertain significance (1 of 4 stars; one submission).

Allele frequency attached by ClinVar (database versions not stated): ESP Exome Variant Server 0.00008.
gnomAD v4.1: 16 of 1,614,098 alleles (0.00099%); highest among the groups gnomAD compares: Non-Finnish European, 0.0014%; no homozygotes.

Submission:

Labcorp Genetics (formerly Invitae), Labcorp
Classification: Uncertain significance. Last evaluated: 2022-10-25. Review status: criteria provided, single submitter. Criteria: Invitae Variant Classification Sherloc (09022015). Collection method: clinical testing. Allele origin: germline.
Comment: In summary, the available evidence is currently insufficient to determine the role of this variant in disease. Therefore, it has been classified as a Variant of Uncertain Significance. Advanced modeling of protein sequence and biophysical properties (such as structural, functional, and spatial information, amino acid conservation, physicochemical variation, residue mobility, and thermodynamic stability) performed at Invitae indicates that this missense variant is not expected to disrupt RCBTB1 protein function. This variant has not been reported in the literature in individuals affected with RCBTB1-related conditions. This variant is present in population databases (rs372162764, gnomAD 0.0009%). This sequence change replaces glycine, which is neutral and non-polar, with serine, which is neutral and polar, at codon 115 of the RCBTB1 protein (p.Gly115Ser).

NM_018191.4(RCBTB1):c.343G>A (p.Gly115Ser)

Gene: RCBTB1 (RCC1 and BTB domain containing protein 1; minus strand). Cytogenetic location: 13q14.2.
Variant type: single nucleotide variant.
Coding change: c.343G>A on transcript NM_018191.4 (MANE Select); coding-DNA position 343, G replaced by A.
Protein change: p.Gly115Ser; replaces glycine 115 with serine.
Molecular consequence: missense variant. On other transcripts: 5 prime UTR variant (1), non-coding transcript variant (2).
Genome position (GRCh38, 1-based): chr13:49,560,019, C>T on the plus strand (G>A on the coding strand, the complement: RCBTB1 is on the minus strand). VCF-style: chr13-49560019-C-T. GRCh37 (hg19) VCF-style: chr13-50134155-C-T.
Other names: c.343G>A, p.Gly115Ser (NM_001352500.2, NM_001352501.2, NM_001352502.2 and 3 more transcripts); c.-267G>A (NM_001352506.2); short protein forms G115S.
Identifiers: ClinVar variation 1959995 (VCV001959995.4), dbSNP rs372162764, ClinGen allele CA6982908.
Genomic context (GRCh38, chr13:49,560,019, plus strand): 5'-AAGCTACTTCCACCACTTGCTTGATCAAGAGATTGGTACAGACCTGGACGGGAGCAATGC[C>T]TTGGTTGGTCGTCCCATTCCCAAGCTGGCTATATCCATTGTGGCCCCAGGCATAAACCAC-3'
Protein context (NP_060661.3, residues 105-125): SQLGNGTTNQ[Gly115Ser]IAPVQVCTNL